The following is an entry in ClinVar:

NM_173648.4(CCDC141):c.2964G>C (p.Lys988Asn)

Gene: CCDC141 (coiled-coil domain containing 141; minus strand). Cytogenetic location: 2q31.2.
Variant type: single nucleotide variant.
Coding change: c.2964G>C on transcript NM_173648.4 (MANE Select); coding-DNA position 2964, G replaced by C.
Protein change: p.Lys988Asn; replaces lysine 988 with asparagine.
Molecular consequence: missense variant.
Genome position (GRCh38, 1-based): chr2:178,855,443, C>G on the plus strand (G>C on the coding strand, the complement: CCDC141 is on the minus strand). VCF-style: chr2-178855443-C-G. GRCh37 (hg19) VCF-style: chr2-179720170-C-G.
Other names: short protein forms K988N.
Identifiers: ClinVar variation 2719941 (VCV002719941.3), dbSNP rs778418261, ClinGen allele CA2006838.

ClinVar aggregate classification (germline): Uncertain significance (1 of 4 stars; one submission).

Allele frequency attached by ClinVar (database versions not stated): ExAC 0.00001.
gnomAD v4.1: 1 of 1,611,780 alleles (0.000062%); highest among the groups gnomAD compares: Admixed American, 0.0017%; no homozygotes.

Submission:

Labcorp Genetics (formerly Invitae), Labcorp
Classification: Uncertain significance. Last evaluated: 2023-02-10. Review status: criteria provided, single submitter. Criteria: Invitae Variant Classification Sherloc (09022015). Collection method: clinical testing. Allele origin: germline.
Comment: This sequence change replaces lysine, which is basic and polar, with asparagine, which is neutral and polar, at codon 988 of the CCDC141 protein (p.Lys988Asn). In summary, the available evidence is currently insufficient to determine the role of this variant in disease. Therefore, it has been classified as a Variant of Uncertain Significance. Algorithms developed to predict the effect of missense changes on protein structure and function output the following: SIFT: "Tolerated"; PolyPhen-2: "Benign"; Align-GVGD: "Class C0". The asparagine amino acid residue is found in multiple mammalian species, which suggests that this missense change does not adversely affect protein function. This variant has not been reported in the literature in individuals affected with CCDC141-related conditions. This variant is present in population databases (rs778418261, gnomAD 0.003%).